The following is an entry in ClinVar:

ClinVar aggregate classification (germline): Likely pathogenic (1 of 4 stars; one submission).

Conditions:
Hemolytic anemia due to glucophosphate isomerase deficiency (CNSHA4). Also called: ANEMIA, CONGENITAL, NONSPHEROCYTIC HEMOLYTIC, 4. Identifiers: Orphanet 712, MedGen C0272064, MONDO:0013275, OMIM 613470.

Submission:

Neuberg Centre For Genomic Medicine, NCGM
Classification: Likely pathogenic for Hemolytic anemia due to glucophosphate isomerase deficiency. Review status: criteria provided, single submitter. Criteria: ACMG Guidelines, 2015. Collection method: clinical testing. Allele origin: germline. Inheritance: Autosomal recessive inheritance. Affected: yes.
Comment: The missense variant c.921+1_921+2del- in GPI gene has not been reported previously as a pathogenic variant nor as a benign variant, to our knowledge. The variant is novel (not in any individuals) in gnomAD Exomes and 1000 Genomes. The variant affects an invariant splice nucelotide and hence is classified as Likely Pathogenic. In the absence of another reportable variant, the molecular diagnosis is not confirmed as GPI deficiency is an autosomal recessive disorder

NM_000175.5(GPI):c.804+1_804+2del

Gene: GPI (glucose-6-phosphate isomerase; plus strand). Cytogenetic location: 19q13.11.
Variant type: Deletion.
Coding change: c.804+1_804+2del on transcript NM_000175.5 (MANE Select); the canonical splice donor site of the intron after coding-DNA position 804, 2 bases deleted (GT; older notation c.804+1_804+2delGT).
Molecular consequence: splice donor variant.
Genome position (GRCh38, 1-based): chr19:34,381,520-34,381,521, GT deleted; deleting any 2 consecutive bases within chr19:34,381,519-34,381,521 gives the same sequence; the c. name uses the placement nearest the transcript's 3' end. VCF-style (leftmost placement, unchanged base first): chr19-34381518-ATG-A. GRCh37 (hg19) VCF-style: chr19-34872423-ATG-A.
Other names: c.921+1_921+2del (NM_001289789.1); c.837+1_837+2del (NM_001184722.1); c.804+1_804+2del (NM_001329909.1, NM_001329910.1, NM_001329911.2); c.720+1_720+2del (NM_001289790.3).
Identifiers: ClinVar variation 2585258 (VCV002585258.1), dbSNP rs2513825652, ClinGen allele CA2582342953.